The following is an entry in ClinVar:

ClinVar aggregate classification (germline): Uncertain significance (1 of 4 stars; one submission).

Conditions:
Hereditary cancer-predisposing syndrome. Also called: Neoplastic Syndromes, Hereditary; Tumor predisposition; Hereditary neoplastic syndrome; Hereditary Cancer Syndrome. Identifiers: Orphanet 140162, MedGen C0027672, MeSH D009386, MONDO:0015356.

Submission:

Ambry Genetics
Classification: Uncertain significance for Hereditary cancer-predisposing syndrome. Last evaluated: 2025-04-28. Review status: criteria provided, single submitter. Criteria: Ambry Variant Classification Scheme 2023. Collection method: clinical testing. Allele origin: germline.
Comment: The p.M1302L variant (also known as c.3904A>C), located in coding exon 26 of the ALK gene, results from an A to C substitution at nucleotide position 3904. The methionine at codon 1302 is replaced by leucine, an amino acid with highly similar properties. This amino acid position is conserved. In addition, the in silico prediction for this alteration is inconclusive. Based on the available evidence, the clinical significance of this variant remains unclear.

NM_004304.5(ALK):c.3904A>C (p.Met1302Leu)

Gene: ALK (ALK receptor tyrosine kinase; minus strand). Cytogenetic location: 2p23.2.
Variant type: single nucleotide variant.
Coding change: c.3904A>C on transcript NM_004304.5 (MANE Select); coding-DNA position 3904, A replaced by C.
Protein change: p.Met1302Leu; replaces methionine 1302 with leucine.
Molecular consequence: missense variant.
Genome position (GRCh38, 1-based): chr2:29,207,205, T>G on the plus strand (A>C on the coding strand, the complement: ALK is on the minus strand). VCF-style: chr2-29207205-T-G. GRCh37 (hg19) VCF-style: chr2-29430071-T-G.
Other names: c.700A>C, p.Met234Leu (NM_001353765.2); short protein forms M234L, M1302L.
Identifiers: ClinVar variation 4040792 (VCV004040792.1).
Genomic context (GRCh38, chr2:29,207,205, plus strand): 5'-TACCTGGAGGATGATGGCTGACTTACCATGTGTCTGTTTTAGAAGTGAATATTCCTTCCA[T>G]GAAGGCCTCTGGGGGCATCCACTTAACTGGCAGCATGGCACAGCCTCCCTTTCTATAGTA-3'
Protein context (NP_004295.2, residues 1292-1312): PVKWMPPEAF[Met1302Leu]EGIFTSKTDT